The following is an entry in ClinVar:

NM_001376.5(DYNC1H1):c.4137G>C (p.Gln1379His)

Gene: DYNC1H1 (dynein cytoplasmic 1 heavy chain 1; plus strand). Cytogenetic location: 14q32.31.
Variant type: single nucleotide variant.
Coding change: c.4137G>C on transcript NM_001376.5 (MANE Select); coding-DNA position 4137, G replaced by C.
Protein change: p.Gln1379His; replaces glutamine 1379 with histidine.
Molecular consequence: missense variant.
Genome position (GRCh38, 1-based): chr14:102,001,016, G>C. VCF-style: chr14-102001016-G-C. GRCh37 (hg19) VCF-style: chr14-102467353-G-C.
Other names: short protein forms Q1379H.
Identifiers: ClinVar variation 3898734 (VCV003898734.7).

ClinVar aggregate classification (germline): Uncertain significance (1 of 4 stars; one submission).

Submission:

CeGaT Center for Human Genetics Tuebingen
Classification: Uncertain significance. Last evaluated: 2025-04-01. Review status: criteria provided, single submitter. Criteria: CeGaT Center For Human Genetics Tuebingen Variant Classification Criteria Version 2. Collection method: clinical testing. Allele origin: germline. Affected: yes. Observed: 1 variant allele.
Comment: DYNC1H1: PM2